The following is an entry in ClinVar:

ClinVar aggregate classification (germline): Uncertain significance (1 of 4 stars; one submission).

Conditions:
Cardiovascular phenotype. Identifiers: MedGen CN230736.

Submission:

Ambry Genetics
Classification: Uncertain significance for Cardiovascular phenotype. Last evaluated: 2023-11-17. Review status: criteria provided, single submitter. Criteria: Ambry Variant Classification Scheme 2023. Collection method: clinical testing. Allele origin: germline.
Comment: The c.2441_2442delTCinsAA variant (also known as p.I814K), located in coding exon 20 of the MYH7 gene, results from an in-frame deletion of TC and insertion of AA at nucleotide positions 2441 to 2442. This results in the substitution of the isoleucine residue for a lysine residue at codon 814, an amino acid with dissimilar properties. This amino acid position is highly conserved in available vertebrate species. In addition, the in silico prediction for this alteration is inconclusive (Choi Y et al. PLoS ONE. 2012; 7(10):e46688). Since supporting evidence is limited at this time, the clinical significance of this alteration remains unclear.

NM_000257.4(MYH7):c.2441_2442delinsAA (p.Ile814Lys)

Genes: MYH7 (myosin heavy chain 7; minus strand), LOC126861898 (BRD4-independent group 4 enhancer GRCh37_chr14:23893609-23894808; plus strand). Cytogenetic location: 14q11.2.
Variant type: Indel.
Coding change: c.2441_2442delinsAA on transcript NM_000257.4 (MANE Select); coding-DNA positions 2441 to 2442, TC replaced by AA.
Protein change: p.Ile814Lys; replaces isoleucine 814 with lysine.
Molecular consequence: missense variant.
Genome position (GRCh38, 1-based): chr14:23,425,006-23,425,007, GA replaced by TT on the plus strand (TC replaced by AA on the coding strand, the reverse complement: MYH7 is on the minus strand). VCF-style: chr14-23425006-GA-TT. GRCh37 (hg19) VCF-style: chr14-23894215-GA-TT.
Other names: c.2441_2442delinsAA, p.Ile814Lys (NM_001407004.1); c.2441_2442delTCinsAA (NM_000257.4); short protein forms I814K.
Identifiers: ClinVar variation 3230901 (VCV003230901.1), dbSNP rs2502284308, ClinGen allele CA2825002216.